The following is an entry in ClinVar:

NM_007272.3(CTRC):c.215C>T (p.Ala72Val)

Gene: CTRC (chymotrypsin C; plus strand). Cytogenetic location: 1p36.21.
Variant type: single nucleotide variant.
Coding change: c.215C>T on transcript NM_007272.3 (MANE Select); coding-DNA position 215, C replaced by T.
Protein change: p.Ala72Val; replaces alanine 72 with valine.
Molecular consequence: missense variant.
Genome position (GRCh38, 1-based): chr1:15,440,575, C>T. VCF-style: chr1-15440575-C-T. GRCh37 (hg19) VCF-style: chr1-15767071-C-T.
Other names: short protein forms A72V.
Identifiers: ClinVar variation 1786868 (VCV001786868.8), dbSNP rs2526290305, ClinGen allele CA338565117.

ClinVar aggregate classification (germline): Uncertain significance. Review status: criteria provided, multiple submitters, no conflicts (2 of 4 stars). 2 submissions from 2 submitters: Uncertain significance (2). Last evaluated 2023-06-01.

Conditions:
Hereditary pancreatitis (PCTT). Also called: Hereditary chronic pancreatitis; PRSS1-Related Hereditary Pancreatitis. Identifiers: Orphanet 676, MedGen C0238339, MONDO:0008185, OMIM 167800.

gnomAD v4.1: 1 of 1,614,116 alleles (0.000062%); highest among the groups gnomAD compares: Non-Finnish European, 0.000085%; no homozygotes.

Submissions (2):

Ambry Genetics
Classification: Uncertain significance for Hereditary pancreatitis. Last evaluated: 2023-06-01. Review status: criteria provided, single submitter. Criteria: Ambry Variant Classification Scheme 2023. Collection method: clinical testing. Allele origin: germline.
Comment: The p.A72V variant (also known as c.215C>T), located in coding exon 3 of the CTRC gene, results from a C to T substitution at nucleotide position 215. The alanine at codon 72 is replaced by valine, an amino acid with similar properties. This amino acid position is highly conserved in available vertebrate species. In addition, this alteration is predicted to be deleterious by in silico analysis. Since supporting evidence is limited at this time, the clinical significance of this alteration remains unclear.

Labcorp Genetics (formerly Invitae), Labcorp
Classification: Uncertain significance for Hereditary pancreatitis. Last evaluated: 2022-10-14. Review status: criteria provided, single submitter. Criteria: Invitae Variant Classification Sherloc (09022015). Collection method: clinical testing. Allele origin: germline.
Comment: This variant has not been reported in the literature in individuals affected with CTRC-related conditions. This variant is not present in population databases (gnomAD no frequency). This sequence change replaces alanine, which is neutral and non-polar, with valine, which is neutral and non-polar, at codon 72 of the CTRC protein (p.Ala72Val). Algorithms developed to predict the effect of missense changes on protein structure and function (SIFT, PolyPhen-2, Align-GVGD) all suggest that this variant is likely to be disruptive. In summary, the available evidence is currently insufficient to determine the role of this variant in disease. Therefore, it has been classified as a Variant of Uncertain Significance.